The following is an entry in ClinVar:

NM_032758.4(PHF5A):c.86A>C (p.Lys29Thr)

Gene: PHF5A (PHD finger protein 5A; minus strand). Cytogenetic location: 22q13.2.
Variant type: single nucleotide variant.
Coding change: c.86A>C on transcript NM_032758.4 (MANE Select); coding-DNA position 86, A replaced by C.
Protein change: p.Lys29Thr; replaces lysine 29 with threonine.
Molecular consequence: missense variant.
Genome position (GRCh38, 1-based): chr22:41,467,605, T>G on the plus strand (A>C on the coding strand, the complement: PHF5A is on the minus strand). VCF-style: chr22-41467605-T-G. GRCh37 (hg19) VCF-style: chr22-41863609-T-G.
Other names: short protein forms K29T.
Identifiers: ClinVar variation 4282280 (VCV004282280.1).

ClinVar aggregate classification (germline): Uncertain significance (1 of 4 stars; one submission).

Submission:

GeneDx
Classification: Uncertain significance. Last evaluated: 2025-04-16. Review status: criteria provided, single submitter. Criteria: GeneDx Variant Classification Process June 2021. Collection method: clinical testing. Allele origin: germline. Affected: yes.
Comment: Not observed at significant frequency in large population cohorts (gnomAD); In silico analysis supports that this missense variant has a deleterious effect on protein structure/function; Has not been previously published as pathogenic or benign to our knowledge.